The following is an entry in ClinVar:

ClinVar aggregate classification (germline): Pathogenic (1 of 4 stars; one submission).

Conditions:
Duchenne muscular dystrophy (DMD). Also called: MUSCULAR DYSTROPHY, PSEUDOHYPERTROPHIC PROGRESSIVE, DUCHENNE TYPE; Duchenne Muscular Dystrophy (DMD). Identifiers: Orphanet 98896, MedGen C0013264, MONDO:0010679, OMIM 310200.

Submission:

Labcorp Genetics (formerly Invitae), Labcorp
Classification: Pathogenic for Duchenne muscular dystrophy. Last evaluated: 2021-05-31. Review status: criteria provided, single submitter. Criteria: Invitae Variant Classification Sherloc (09022015). Collection method: clinical testing. Allele origin: germline.
Comment: This variant is not present in population databases (ExAC no frequency). This sequence change creates a premature translational stop signal (p.Gln869*) in the DMD gene. It is expected to result in an absent or disrupted protein product. This variant has been observed in individual(s) with Duchenne muscular dystrophy (PMID: 27750387, 29188604, Invitae). This variant is also known as c.2593C>T, p.Gln865Ter in the literature. For these reasons, this variant has been classified as Pathogenic. Loss-of-function variants in DMD are known to be pathogenic (PMID: 16770791, 25007885).

Literature cited by the submitters: PubMed 27750387; PubMed 29188604; PubMed 16770791; PubMed 25007885.

NM_004006.3(DMD):c.2605C>T (p.Gln869Ter)

Gene: DMD (dystrophin; minus strand). Cytogenetic location: Xp21.1.
Variant type: single nucleotide variant.
Coding change: c.2605C>T on transcript NM_004006.3 (MANE Select); coding-DNA position 2605, C replaced by T.
Protein change: p.Gln869Ter; replaces glutamine 869 with a stop codon.
Molecular consequence: nonsense.
Genome position (GRCh38, 1-based): chrX:32,491,294, G>A on the plus strand (C>T on the coding strand, the complement: DMD is on the minus strand). VCF-style: chrX-32491294-G-A. GRCh37 (hg19) VCF-style: chrX-32509411-G-A.
Other names: c.2581C>T, p.Gln861Ter (NM_000109.4); c.2593C>T, p.Gln865Ter (NM_004009.3); c.2236C>T, p.Gln746Ter (NM_004010.3); short protein forms Q746*, Q861*, Q865*, Q869*.
Identifiers: ClinVar variation 1072121 (VCV001072121.10), dbSNP rs2148630465, ClinGen allele CA412671857.